The following is an entry in ClinVar:

NM_000091.5(COL4A3):c.3395C>A (p.Pro1132His)

Genes: COL4A3 (collagen type IV alpha 3 chain; plus strand), MFF-DT (MFF divergent transcript; minus strand). Cytogenetic location: 2q36.3.
Variant type: single nucleotide variant.
Coding change: c.3395C>A on transcript NM_000091.5 (MANE Select); coding-DNA position 3395, C replaced by A.
Protein change: p.Pro1132His; replaces proline 1132 with histidine.
Molecular consequence: missense variant.
Genome position (GRCh38, 1-based): chr2:227,294,547, C>A. VCF-style: chr2-227294547-C-A. GRCh37 (hg19) VCF-style: chr2-228159263-C-A.
Other names: short protein forms P1132H.
Identifiers: ClinVar variation 1402223 (VCV001402223.12), dbSNP rs893516153, ClinGen allele CA66608727.

ClinVar aggregate classification (germline): Uncertain significance. Review status: criteria provided, multiple submitters, no conflicts (2 of 4 stars). 3 submissions from 3 submitters: Uncertain significance (3). Last evaluated 2024-04-19.

Conditions:
Alport syndrome 3b, autosomal recessive. Identifiers: MedGen C5882699, MONDO:0957811, OMIM 620536.
Autosomal dominant Alport syndrome (ATS3A). Also called: ALPORT SYNDROME 3A, AUTOSOMAL DOMINANT; Alport syndrome dominant type; Renal failure and sensorineural hearing loss. Identifiers: Orphanet 63, Orphanet 88918, MedGen C5882663, MONDO:0007086, OMIM 104200.
Autosomal recessive Alport syndrome (ATS2). Also called: Alport syndrome type 2; COL4A3-Related Nephropathy; ALPORT SYNDROME 2, AUTOSOMAL RECESSIVE; COL4A4 Alport Syndrome and Thin Basement Membrane Nephropathy. Identifiers: Orphanet 63, Orphanet 88919, MedGen C4746745, MONDO:0008762, OMIM 203780.
Benign familial hematuria. Also called: thin basement membrane disease. Identifiers: MedGen C0241908, MONDO:0957317.

Allele frequency attached by ClinVar (database versions not stated): gnomAD exomes below 0.00001; gnomAD 0.00005 and 0.00007; TOPMed 0.00005.
gnomAD v4.1: 12 of 1,612,940 alleles (0.00074%); highest among the groups gnomAD compares: African/African-American, 0.015%; no homozygotes.

Submissions (3):

Clinical Genomics Laboratory, Washington University in St. Louis
Classification: Uncertain significance for Alport syndrome 3b, autosomal recessive. Last evaluated: 2024-04-19. Review status: criteria provided, single submitter. Criteria: ACMG Guidelines, 2015. Collection method: clinical testing. Allele origin: germline.
Comment: The COL4A3 c.3395C>A (p.Pro1132His) variant, to our knowledge, has not been reported in the medical literature. This variant has been reported in the ClinVar database as a germline variant of uncertain significance by two submitters (ClinVar ID: 1402223) and is absent from the general population (gnomAD v.2.1.1), indicating it is not a common variant. Computational predictors are uncertain as to the impact of this variant on COL4A3 function. Due to limited information, and based on ACMG/AMP guidelines for variant interpretation (Richards S et al., PMID: 25741868), the clinical significance of the COL4A3 c.3395C>A (p.Pro1132His) variant is uncertain at this time.

Fulgent Genetics
Classification: Uncertain significance for Autosomal dominant Alport syndrome; Hematuria, benign familial, 1; Autosomal recessive Alport syndrome. Last evaluated: 2022-04-19. Review status: criteria provided, single submitter. Criteria: ACMG Guidelines, 2015. Collection method: clinical testing. Allele origin: unknown.

Labcorp Genetics (formerly Invitae), Labcorp
Classification: Uncertain significance. Last evaluated: 2021-09-24. Review status: criteria provided, single submitter. Criteria: Invitae Variant Classification Sherloc (09022015). Collection method: clinical testing. Allele origin: germline.
Comment: This sequence change replaces proline with histidine at codon 1132 of the COL4A3 protein (p.Pro1132His). The proline residue is weakly conserved and there is a moderate physicochemical difference between proline and histidine. This variant is not present in population databases (ExAC no frequency). This variant has not been reported in the literature in individuals with COL4A3-related conditions. Advanced modeling of protein sequence and biophysical properties (such as structural, functional, and spatial information, amino acid conservation, physicochemical variation, residue mobility, and thermodynamic stability) performed at Invitae indicates that this missense variant is not expected to disrupt COL4A3 protein function. In summary, the available evidence is currently insufficient to determine the role of this variant in disease. Therefore, it has been classified as a Variant of Uncertain Significance.